The following is an entry in ClinVar:

NC_000002.11:g.(?_70439851)_(70458006_?)dup

Gene: TIA1 (TIA1 cytotoxic granule associated RNA binding protein; minus strand). Cytogenetic location: 2p13.3.
Variant type: Duplication.
Identifiers: ClinVar variation 1412333 (VCV001412333.4).

ClinVar aggregate classification (germline): Uncertain significance (1 of 4 stars; one submission).

Conditions:
Welander distal myopathy (WDM). Also called: Welander distal myopathy, Swedish type; Gower's muscular dystrophy; Distal myopathy, Swedish type; MUSCULAR DYSTROPHY, DISTAL, LATE-ONSET, AUTOSOMAL DOMINANT. Identifiers: Orphanet 603, MedGen C0221054, MONDO:0011466, OMIM 604454.

Submission:

Labcorp Genetics (formerly Invitae), Labcorp
Classification: Uncertain significance for Welander distal myopathy. Last evaluated: 2023-07-07. Review status: criteria provided, single submitter. Criteria: Invitae Variant Classification Sherloc (09022015). Collection method: clinical testing. Allele origin: germline.
Comment: This variant results in a copy number gain of the genomic region encompassing exon(s) 3-13 of the TIA1 gene. This region includes the termination codon of the gene. This copy number gain extends beyond the assayed region for this gene and therefore may encompass additional genes. As the precise location of this event is unknown, it may be in tandem or it may be located elsewhere in the genome. In summary, the available evidence is currently insufficient to determine the role of this variant in disease. Therefore, it has been classified as a Variant of Uncertain Significance. This variant has not been reported in the literature in individuals affected with TIA1-related conditions.